The following is an entry in ClinVar:

ClinVar aggregate classification (germline): Uncertain significance (1 of 4 stars; one submission).

gnomAD v4.1: 10 of 1,613,870 alleles (0.00062%); highest among the groups gnomAD compares: African/African-American, 0.0093%; no homozygotes.

Submission:

GeneDx
Classification: Uncertain significance. Last evaluated: 2024-05-24. Review status: criteria provided, single submitter. Criteria: GeneDx Variant Classification Process June 2021. Collection method: clinical testing. Allele origin: germline. Affected: yes.
Comment: Not observed at significant frequency in large population cohorts (gnomAD); In silico analysis supports that this missense variant has a deleterious effect on protein structure/function; Has not been previously published as pathogenic or benign to our knowledge

NM_018993.4(RIN2):c.1570G>A (p.Asp524Asn)

Gene: RIN2 (Ras and Rab interactor 2; plus strand). Cytogenetic location: 20p11.23.
Variant type: single nucleotide variant.
Coding change: c.1570G>A on transcript NM_018993.4 (MANE Select); coding-DNA position 1570, G replaced by A.
Protein change: p.Asp524Asn; replaces aspartic acid 524 with asparagine.
Molecular consequence: missense variant.
Genome position (GRCh38, 1-based): chr20:19,975,595, G>A. VCF-style: chr20-19975595-G-A. GRCh37 (hg19) VCF-style: chr20-19956239-G-A.
Other names: c.1717G>A, p.Asp573Asn (NM_001242581.2); c.952G>A, p.Asp318Asn (NM_001378238.1); short protein forms D318N, D524N, D573N.
Identifiers: ClinVar variation 3381360 (VCV003381360.1).
Genomic context (GRCh38, chr20:19,975,595, plus strand): 5'-TTCAGCTCCTTCATGACCCCGGAGAAGCGGATGGTCCGCAGGATCGCCGAGCTTTCCCGG[G>A]ACAAATGCACCTACTTCGGGTGCTTAGTGCAGGACTACGTGAGCTTCCTGCAGGAGAACA-3'
Protein context (NP_061866.1, residues 514-534): MVRRIAELSR[Asp524Asn]KCTYFGCLVQ